The following is an entry in ClinVar:

ClinVar aggregate classification (germline): Uncertain significance (1 of 4 stars; one submission).

Submission:

Labcorp Genetics (formerly Invitae), Labcorp
Classification: Uncertain significance. Last evaluated: 2022-02-20. Review status: criteria provided, single submitter. Criteria: Invitae Variant Classification Sherloc (09022015). Collection method: clinical testing. Allele origin: germline.
Comment: In summary, the available evidence is currently insufficient to determine the role of this variant in disease. Therefore, it has been classified as a Variant of Uncertain Significance. Experimental studies and prediction algorithms are not available or were not evaluated, and the functional significance of this variant is currently unknown. This variant has not been reported in the literature in individuals affected with FOXI3-related conditions. This variant is not present in population databases (gnomAD no frequency). This sequence change replaces proline, which is neutral and non-polar, with arginine, which is basic and polar, at codon 291 of the FOXI3 protein (p.Pro291Arg).

NM_001135649.3(FOXI3):c.872C>G (p.Pro291Arg)

Gene: FOXI3 (forkhead box I3; minus strand). Cytogenetic location: 2p11.2.
Variant type: single nucleotide variant.
Coding change: c.872C>G on transcript NM_001135649.3 (MANE Select); coding-DNA position 872, C replaced by G.
Protein change: p.Pro291Arg; replaces proline 291 with arginine.
Molecular consequence: missense variant.
Genome position (GRCh38, 1-based): chr2:88,448,598, G>C on the plus strand (C>G on the coding strand, the complement: FOXI3 is on the minus strand). VCF-style: chr2-88448598-G-C. GRCh37 (hg19) VCF-style: chr2-88748117-G-C.
Other names: short protein forms P291R.
Identifiers: ClinVar variation 2100558 (VCV002100558.4), dbSNP rs779671232, ClinGen allele CA347765099.
Genomic context (GRCh38, chr2:88,448,598, plus strand): 5'-CAAGGGGTGGAGGTGAGCATGGGTCCTCCAGGAGATGAGGCAGTACTCTTGGTGCCCTCC[G>C]GAGGCTCTGGGGAGTGGGAAGGCCTCAGCAGAGTGGAGGGGCTCTCTTCTTCTGGCTTCC-3'
Protein context (NP_001129121.1, residues 281-301): LLRPSHSPEP[Pro291Arg]EGTKSTASSP